The following is an entry in ClinVar:

ClinVar aggregate classification (germline): Uncertain significance (1 of 4 stars; one submission).

gnomAD v4.1: 1 of 1,585,264 alleles (0.000063%); highest among the groups gnomAD compares: Non-Finnish European, 0.000085%; no homozygotes.

Submission:

Labcorp Genetics (formerly Invitae), Labcorp
Classification: Uncertain significance. Last evaluated: 2022-07-29. Review status: criteria provided, single submitter. Criteria: Invitae Variant Classification Sherloc (09022015). Collection method: clinical testing. Allele origin: germline.
Comment: Variants that disrupt the consensus splice site are a relatively common cause of aberrant splicing (PMID: 17576681, 9536098). Algorithms developed to predict the effect of sequence changes on RNA splicing suggest that this variant may disrupt the consensus splice site. This variant has not been reported in the literature in individuals affected with PYROXD1-related conditions. This variant is not present in population databases (gnomAD no frequency). In summary, the available evidence is currently insufficient to determine the role of this variant in disease. Therefore, it has been classified as a Variant of Uncertain Significance. This sequence change falls in intron 2 of the PYROXD1 gene. It does not directly change the encoded amino acid sequence of the PYROXD1 protein. It affects a nucleotide within the consensus splice site.

Literature cited by the submitters: PubMed 17576681; PubMed 9536098.

NM_024854.5(PYROXD1):c.166-3C>A

Gene: PYROXD1 (pyridine nucleotide-disulphide oxidoreductase domain 1; plus strand). Cytogenetic location: 12p12.1.
Variant type: single nucleotide variant.
Coding change: c.166-3C>A on transcript NM_024854.5 (MANE Select); 3 bases into the intron before coding-DNA position 166, C replaced by A.
Molecular consequence: intron variant.
Genome position (GRCh38, 1-based): chr12:21,445,344, C>A. VCF-style: chr12-21445344-C-A. GRCh37 (hg19) VCF-style: chr12-21598278-C-A.
Other names: c.-538-3C>A (NM_001350913.2); c.-48-3C>A (NM_001350912.2).
Identifiers: ClinVar variation 2089646 (VCV002089646.4), dbSNP rs2540234034, ClinGen allele CA2580085234.